The following is an entry in ClinVar:

NM_000142.5(FGFR3):c.2131C>T (p.His711Tyr)

Gene: FGFR3 (fibroblast growth factor receptor 3; plus strand). Cytogenetic location: 4p16.3.
Variant type: single nucleotide variant.
Coding change: c.2131C>T on transcript NM_000142.5 (MANE Select); coding-DNA position 2131, C replaced by T.
Protein change: p.His711Tyr; replaces histidine 711 with tyrosine.
Molecular consequence: missense variant. On other transcripts: non-coding transcript variant (1).
Genome position (GRCh38, 1-based): chr4:1,806,646, C>T. VCF-style: chr4-1806646-C-T. GRCh37 (hg19) VCF-style: chr4-1808373-C-T.
Other names: c.2137C>T, p.His713Tyr (NM_001163213.2); c.2134C>T, p.His712Tyr (NM_001354809.2); c.2063C>T, p.Pro688Leu (NM_001354810.2); c.1795C>T, p.His599Tyr (NM_022965.4); short protein forms H599Y, H711Y, H712Y, H713Y, P688L.
Identifiers: ClinVar variation 3354221 (VCV003354221.1).

ClinVar aggregate classification (germline): Uncertain significance (0 of 4 stars; one submission).

Conditions:
FGFR3-related disorder. Also called: FGFR3-related disorders.

gnomAD v4.1: 8 of 1,612,958 alleles (0.0005%); highest among the groups gnomAD compares: Non-Finnish European, 0.00068%; no homozygotes.

Submission:

PreventionGenetics, part of Exact Sciences
Classification: Uncertain significance for FGFR3-related condition. Last evaluated: 2024-06-26. Review status: no assertion criteria provided. Collection method: clinical testing. Allele origin: germline.
Comment: The FGFR3 c.2131C>T variant is predicted to result in the amino acid substitution p.His711Tyr. To our knowledge, this variant has not been reported in the literature. This variant is reported in 0.00089% of alleles in individuals of European (Non-Finnish) descent in gnomAD. At this time, the clinical significance of this variant is uncertain due to the absence of conclusive functional and genetic evidence.